The following is an entry in ClinVar:

ClinVar aggregate classification (germline): Likely benign. Review status: criteria provided, single submitter (1 of 4 stars). 2 submissions from 2 submitters: Likely benign (1). 1 of the submissions does not count toward it. Last evaluated 2023-11-29.

Conditions:
NAXE-related disorder. Also called: NAXE-related condition.

Allele frequency attached by ClinVar (database versions not stated): gnomAD 0.00038; ExAC 0.00003; TOPMed 0.00046; ESP Exome Variant Server 0.00015.
gnomAD v4.1: 122 of 1,614,150 alleles (0.0076%); highest among the groups gnomAD compares: African/African-American, 0.14%; no homozygotes.

Submissions (3):

Labcorp Genetics (formerly Invitae), Labcorp
Classification: Likely benign. Last evaluated: 2023-11-29. Review status: criteria provided, single submitter. Criteria: Invitae Variant Classification Sherloc (09022015). Collection method: clinical testing. Allele origin: germline.

PreventionGenetics, part of Exact Sciences
Classification: Likely benign for NAXE-related condition. Last evaluated: 2019-09-11. Review status: no assertion criteria provided. Collection method: clinical testing. Allele origin: germline. Not counted in ClinVar's aggregate classification.
Comment: This variant is classified as likely benign based on ACMG/AMP sequence variant interpretation guidelines (Richards et al. 2015 PMID: 25741868, with internal and published modifications).

Dr. Peter K. Rogan Lab, Western University
No classification provided (evidence only). Condition: Nonpapillary renal cell carcinoma. Review status: no classification provided. Collection method: in vitro. Allele origin: not applicable. Functional consequence: retained intron. Not counted in ClinVar's aggregate classification.

NM_144772.3(NAXE):c.582C>T (p.Gly194=)

Gene: NAXE (NAD(P)HX epimerase; plus strand). Cytogenetic location: 1q22.
Variant type: single nucleotide variant.
Coding change: c.582C>T on transcript NM_144772.3 (MANE Select); coding-DNA position 582, C replaced by T.
Protein change: p.Gly194=; no amino-acid change (glycine 194 retained).
Molecular consequence: synonymous variant.
Genome position (GRCh38, 1-based): chr1:156,593,473, C>T. VCF-style: chr1-156593473-C-T. GRCh37 (hg19) VCF-style: chr1-156563265-C-T.
Other names: c.582C>T (NM_144772.2).
Identifiers: ClinVar variation 2067636 (VCV002067636.7), dbSNP rs147860026, ClinGen allele CA1162834.